The following is an entry in ClinVar:

ClinVar aggregate classification (germline): Uncertain significance (1 of 4 stars; one submission).

Allele frequency attached by ClinVar (database versions not stated): gnomAD 0.00001; TOPMed 0.00001.

Submission:

Mayo Clinic Laboratories, Mayo Clinic
Classification: Uncertain significance. Last evaluated: 2022-07-07. Review status: criteria provided, single submitter. Criteria: ACMG Guidelines, 2015. Collection method: clinical testing. Allele origin: germline. Observed: 1 variant allele.
Comment: BP4, PM2

NM_000435.3(NOTCH3):c.4018G>A (p.Ala1340Thr)

Gene: NOTCH3 (notch receptor 3; minus strand). Cytogenetic location: 19p13.12.
Variant type: single nucleotide variant.
Coding change: c.4018G>A on transcript NM_000435.3 (MANE Select); coding-DNA position 4018, G replaced by A.
Protein change: p.Ala1340Thr; replaces alanine 1340 with threonine.
Molecular consequence: missense variant.
Genome position (GRCh38, 1-based): chr19:15,177,910, C>T on the plus strand (G>A on the coding strand, the complement: NOTCH3 is on the minus strand). VCF-style: chr19-15177910-C-T. GRCh37 (hg19) VCF-style: chr19-15288721-C-T.
Other names: p.Ala1340Thr; short protein forms A1340T.
Identifiers: ClinVar variation 2683483 (VCV002683483.1), dbSNP rs1167835026, ClinGen allele CA404505412.